The following is an entry in ClinVar:

NM_000562.3(C8A):c.1163T>G (p.Ile388Arg)

Gene: C8A (complement C8 alpha chain; plus strand). Cytogenetic location: 1p32.2.
Variant type: single nucleotide variant.
Coding change: c.1163T>G on transcript NM_000562.3 (MANE Select); coding-DNA position 1163, T replaced by G.
Protein change: p.Ile388Arg; replaces isoleucine 388 with arginine.
Molecular consequence: missense variant.
Genome position (GRCh38, 1-based): chr1:56,906,733, T>G. VCF-style: chr1-56906733-T-G. GRCh37 (hg19) VCF-style: chr1-57372406-T-G.
Other names: short protein forms I388R.
Identifiers: ClinVar variation 1947371 (VCV001947371.5), dbSNP rs2522604990, ClinGen allele CA340512319.

ClinVar aggregate classification (germline): Uncertain significance (1 of 4 stars; one submission).

gnomAD v4.1: 1 of 1,614,070 alleles (0.000062%); no homozygotes.

Submission:

Labcorp Genetics (formerly Invitae), Labcorp
Classification: Uncertain significance. Last evaluated: 2022-04-20. Review status: criteria provided, single submitter. Criteria: Invitae Variant Classification Sherloc (09022015). Collection method: clinical testing. Allele origin: germline.
Comment: In summary, the available evidence is currently insufficient to determine the role of this variant in disease. Therefore, it has been classified as a Variant of Uncertain Significance. Algorithms developed to predict the effect of missense changes on protein structure and function are either unavailable or do not agree on the potential impact of this missense change (SIFT: "Deleterious"; PolyPhen-2: "Benign"; Align-GVGD: "Class C0"). This variant has not been reported in the literature in individuals affected with C8A-related conditions. This variant is not present in population databases (gnomAD no frequency). This sequence change replaces isoleucine, which is neutral and non-polar, with arginine, which is basic and polar, at codon 388 of the C8A protein (p.Ile388Arg).